The following is an entry in ClinVar:

NM_002335.4(LRP5):c.739G>A (p.Gly247Arg)

Gene: LRP5 (LDL receptor related protein 5; plus strand). Cytogenetic location: 11q13.2.
Variant type: single nucleotide variant.
Coding change: c.739G>A on transcript NM_002335.4 (MANE Select); coding-DNA position 739, G replaced by A.
Protein change: p.Gly247Arg; replaces glycine 247 with arginine.
Molecular consequence: missense variant. On other transcripts: 5 prime UTR variant (1).
Genome position (GRCh38, 1-based): chr11:68,363,799, G>A. VCF-style: chr11-68363799-G-A. GRCh37 (hg19) VCF-style: chr11-68131267-G-A.
Other names: c.-1027G>A (NM_001291902.2); short protein forms G247R.
Identifiers: ClinVar variation 1429763 (VCV001429763.10), dbSNP rs773226526, ClinGen allele CA6149099.

ClinVar aggregate classification (germline): Uncertain significance. Review status: criteria provided, multiple submitters, no conflicts (2 of 4 stars). 2 submissions from 2 submitters: Uncertain significance (2). Last evaluated 2025-03-17.

Conditions:
Autosomal dominant osteopetrosis 1 (OPTA1). Also called: OSTEOPETROSIS, AUTOSOMAL DOMINANT, TYPE I. Identifiers: Orphanet 2783, MedGen C1843330, MONDO:0011877, OMIM 607634.
Polycystic liver disease 4 with or without kidney cysts. Identifiers: MedGen C4693479, MONDO:0044327, OMIM 617875.
Exudative vitreoretinopathy 4 (EVR4). Identifiers: Orphanet 891, MedGen C1866176, MONDO:0011151, OMIM 601813.
Osteoporosis with pseudoglioma (OPPG). Also called: osteoporosis-pseudoglioma syndrome. Identifiers: Orphanet 2788, MedGen C0432252, MONDO:0009820, OMIM 259770.
Bone mineral density quantitative trait locus 1 (BMND1). Identifiers: MedGen C1866079, OMIM 601884.
Worth disease. Also called: Autosomal dominant osteosclerosis, Worth type; ENDOSTEAL HYPEROSTOSIS, AUTOSOMAL DOMINANT; OSTEOSCLEROSIS, AUTOSOMAL DOMINANT. Identifiers: Orphanet 2790, MedGen C0432273, MONDO:0007764, OMIM 144750.

Allele frequency attached by ClinVar (database versions not stated): TOPMed below 0.00001; ExAC 0.00001; gnomAD 0.00001; gnomAD exomes 0.00001.
gnomAD v4.1: 15 of 1,612,936 alleles (0.00093%); highest among the groups gnomAD compares: African/African-American, 0.0013%; no homozygotes.

Submissions (2):

Labcorp Genetics (formerly Invitae), Labcorp
Classification: Uncertain significance. Last evaluated: 2025-03-17. Review status: criteria provided, single submitter. Criteria: Invitae Variant Classification Sherloc (09022015). Collection method: clinical testing. Allele origin: germline.
Comment: This sequence change replaces glycine, which is neutral and non-polar, with arginine, which is basic and polar, at codon 247 of the LRP5 protein (p.Gly247Arg). This variant is present in population databases (rs773226526, gnomAD 0.002%). This variant has not been reported in the literature in individuals affected with LRP5-related conditions. ClinVar contains an entry for this variant (Variation ID: 1429763). Invitae Evidence Modeling of protein sequence and biophysical properties (such as structural, functional, and spatial information, amino acid conservation, physicochemical variation, residue mobility, and thermodynamic stability) has been performed for this missense variant. However, the output from this modeling did not meet the statistical confidence thresholds required to predict the impact of this variant on LRP5 protein function. Algorithms developed to predict the effect of sequence changes on RNA splicing suggest that this variant may create or strengthen a splice site. In summary, the available evidence is currently insufficient to determine the role of this variant in disease. Therefore, it has been classified as a Variant of Uncertain Significance.

Fulgent Genetics
Classification: Uncertain significance for Worth disease; Osteoporosis with pseudoglioma; Exudative vitreoretinopathy 4; Bone mineral density quantitative trait locus 1; Autosomal dominant osteopetrosis 1; Polycystic liver disease 4 with or without kidney cysts. Last evaluated: 2024-03-19. Review status: criteria provided, single submitter. Criteria: ACMG Guidelines, 2015. Collection method: clinical testing. Allele origin: germline.